The following is an entry in ClinVar:

NM_001378120.1(MBD5):c.947del (p.Asn316fs)

Gene: MBD5 (methyl-CpG binding domain protein 5; plus strand). Cytogenetic location: 2q23.1.
Variant type: Deletion.
Coding change: c.947del on transcript NM_001378120.1 (MANE Select); coding-DNA position 947, one base deleted (A; older notation c.947delA).
Protein change: p.Asn316fs; shifts the reading frame from asparagine 316.
Molecular consequence: frameshift variant.
Genome position (GRCh38, 1-based): chr2:148,468,890, A deleted; the last of 2 consecutive A bases (chr2:148,468,889-148,468,890); deleting either gives the same sequence. VCF-style (leftmost placement, unchanged base first): chr2-148468888-TA-T. GRCh37 (hg19) VCF-style: chr2-149226457-TA-T.
Other names: c.947del, p.Asn316fs (NM_018328.5); short protein forms N316fs.
Identifiers: ClinVar variation 966643 (VCV000966643.8), dbSNP rs1680684706, ClinGen allele CA1139657234.

ClinVar aggregate classification (germline): Pathogenic (1 of 4 stars; one submission).

Conditions:
Intellectual developmental disorder, autosomal dominant 1. Also called: Intellectual disability, autosomal dominant 1; MBD5 Haploinsufficiency. Identifiers: Orphanet 228402, MedGen C1969562, MONDO:0007974, OMIM 156200.

Submission:

Labcorp Genetics (formerly Invitae), Labcorp
Classification: Pathogenic for Intellectual developmental disorder, autosomal dominant 1. Last evaluated: 2019-11-03. Review status: criteria provided, single submitter. Criteria: Invitae Variant Classification Sherloc (09022015). Collection method: clinical testing. Allele origin: germline.
Comment: For these reasons, this variant has been classified as Pathogenic. This sequence change creates a premature translational stop signal (p.Asn316Ilefs*36) in the MBD5 gene. It is expected to result in an absent or disrupted protein product. This variant is not present in population databases (ExAC no frequency). This variant has not been reported in the literature in individuals with MBD5-related conditions. Loss-of-function variants in MBD5 are known to be pathogenic (PMID: 23422940, 23587880).

Literature cited by the submitters: PubMed 23422940; PubMed 23587880.